The following is an entry in ClinVar:

NM_000234.3(LIG1):c.2302C>T (p.Arg768Trp)

Gene: LIG1 (DNA ligase 1; minus strand). Cytogenetic location: 19q13.33.
Variant type: single nucleotide variant.
Coding change: c.2302C>T on transcript NM_000234.3 (MANE Select); coding-DNA position 2302, C replaced by T.
Protein change: p.Arg768Trp; replaces arginine 768 with tryptophan.
Molecular consequence: missense variant. On other transcripts: non-coding transcript variant (6).
Genome position (GRCh38, 1-based): chr19:48,121,253, G>A on the plus strand (C>T on the coding strand, the complement: LIG1 is on the minus strand). VCF-style: chr19-48121253-G-A. GRCh37 (hg19) VCF-style: chr19-48624510-G-A.
Other names: c.2209C>T, p.Arg737Trp (NM_001289063.2); c.2098C>T, p.Arg700Trp (NM_001289064.2); c.2299C>T, p.Arg767Trp (NM_001320970.2); c.2212C>T, p.Arg738Trp (NM_001320971.2); short protein forms R700W, R737W, R767W, R768W, R738W.
Identifiers: ClinVar variation 1442031 (VCV001442031.7), dbSNP rs371393033, ClinGen allele CA9546467.

ClinVar aggregate classification (germline): Uncertain significance. Review status: criteria provided, multiple submitters, no conflicts (2 of 4 stars). 2 submissions from 2 submitters: Uncertain significance (2). Last evaluated 2025-01-29.

Allele frequency attached by ClinVar (database versions not stated): gnomAD 0.00001 and 0.00002; TOPMed 0.00002; ESP Exome Variant Server 0.00008; ExAC 0.00009.
gnomAD v4.1: 63 of 1,613,510 alleles (0.0039%); highest among the groups gnomAD compares: South Asian, 0.044%; no homozygotes.

Submissions (2):

Labcorp Genetics (formerly Invitae), Labcorp
Classification: Uncertain significance. Last evaluated: 2025-01-29. Review status: criteria provided, single submitter. Criteria: Invitae Variant Classification Sherloc (09022015). Collection method: clinical testing. Allele origin: germline.
Comment: This sequence change replaces arginine, which is basic and polar, with tryptophan, which is neutral and slightly polar, at codon 768 of the LIG1 protein (p.Arg768Trp). This variant is present in population databases (rs371393033, gnomAD 0.04%). This variant has not been reported in the literature in individuals affected with LIG1-related conditions. ClinVar contains an entry for this variant (Variation ID: 1442031). An algorithm developed to predict the effect of missense changes on protein structure and function (PolyPhen-2) suggests that this variant is likely to be disruptive. In summary, the available evidence is currently insufficient to determine the role of this variant in disease. Therefore, it has been classified as a Variant of Uncertain Significance.

Blueprint Genetics
Classification: Uncertain significance. Last evaluated: 2023-09-14. Review status: criteria provided, single submitter. Criteria: ACMG Guidelines, 2015. Collection method: clinical testing. Allele origin: germline.